The following is an entry in ClinVar:

ClinVar aggregate classification (germline): Uncertain significance (1 of 4 stars; one submission).

Conditions:
Multiple endocrine neoplasia, type 2 (MEN2). Identifiers: Orphanet 653, MedGen C4048306, MONDO:0019003. Disease mechanism: gain of function.

Allele frequency attached by ClinVar (database versions not stated): gnomAD exomes below 0.00001.
gnomAD v4.1: 1 of 1,613,968 alleles (0.000062%); highest among the groups gnomAD compares: East Asian, 0.0022%; no homozygotes.

Submission:

Labcorp Genetics (formerly Invitae), Labcorp
Classification: Uncertain significance for Multiple endocrine neoplasia, type 2. Last evaluated: 2021-03-22. Review status: criteria provided, single submitter. Criteria: Invitae Variant Classification Sherloc (09022015). Collection method: clinical testing. Allele origin: germline.
Comment: This variant is not present in population databases (ExAC no frequency). This variant has not been reported in the literature in individuals with RET-related conditions. Algorithms developed to predict the effect of missense changes on protein structure and function (SIFT, PolyPhen-2, Align-GVGD) all suggest that this variant is likely to be tolerated, but these predictions have not been confirmed by published functional studies and their clinical significance is uncertain. In summary, the available evidence is currently insufficient to determine the role of this variant in disease. Therefore, it has been classified as a Variant of Uncertain Significance. This sequence change replaces glutamic acid with alanine at codon 208 of the RET protein (p.Glu208Ala). The glutamic acid residue is weakly conserved and there is a moderate physicochemical difference between glutamic acid and alanine.

NM_020975.6(RET):c.623A>C (p.Glu208Ala)

Gene: RET (ret proto-oncogene; plus strand). Cytogenetic location: 10q11.21.
Variant type: single nucleotide variant.
Coding change: c.623A>C on transcript NM_020975.6 (MANE Select); coding-DNA position 623, A replaced by C.
Protein change: p.Glu208Ala; replaces glutamic acid 208 with alanine.
Molecular consequence: missense variant.
Genome position (GRCh38, 1-based): chr10:43,102,627, A>C. VCF-style: chr10-43102627-A-C. GRCh37 (hg19) VCF-style: chr10-43598075-A-C.
Other names: c.623A>C, p.Glu208Ala (NM_000323.2, NM_001406743.1, NM_001406744.1 and 16 more transcripts); c.494A>C, p.Glu165Ala (NM_001406761.1, NM_001406762.1, NM_001406764.1 and 4 more transcripts); short protein forms E208A, E165A.
Identifiers: ClinVar variation 1447393 (VCV001447393.9), dbSNP rs1170238577, ClinGen allele CA376543706.
Genomic context (GRCh38, chr10:43,102,627, plus strand): 5'-TCCGCCTGCTGCCTGTGCAGTTCTTGTGCCCCAACATCAGCGTGGCCTACAGGCTCCTGG[A>C]GGGTGAGTGCCGACCTTGTGGGGCCGCCCCACAGTGCCTGCTACTGCTGGTCTTGCTCTG-3'
Protein context (NP_066124.1, residues 198-218): PNISVAYRLL[Glu208Ala]GEGLPFRCAP